The following is an entry in ClinVar:

ClinVar aggregate classification (germline): Uncertain significance (1 of 4 stars; one submission).

Submission:

Laboratory for Molecular Medicine, Mass General Brigham Personalized Medicine
Classification: Uncertain significance. Last evaluated: 2012-03-06. Review status: criteria provided, single submitter. Criteria: LMM Criteria. Collection method: clinical testing. Allele origin: germline. Observed: 1 variant allele.
Comment: The Thr18962Ile variant (TTN) has not been reported in the literature nor previo usly identified by our laboratory. Computational analyses (biochemical amino aci d properties, conservation, AlignGVGD, PolyPhen2, and SIFT) do not provide stron g support for or against an impact to the protein. Additional information is nee ded to fully assess the clinical significance of this variant.

NM_001267550.2(TTN):c.64589C>T (p.Thr21530Ile)

Genes: TTN (titin; minus strand), TTN-AS1 (TTN antisense RNA 1; plus strand). Cytogenetic location: 2q31.2.
Variant type: single nucleotide variant.
Coding change: c.64589C>T on transcript NM_001267550.2 (MANE Select); coding-DNA position 64589, C replaced by T.
Protein change: p.Thr21530Ile; replaces threonine 21530 with isoleucine.
Molecular consequence: missense variant.
Genome position (GRCh38, 1-based): chr2:178,585,155, G>A on the plus strand (C>T on the coding strand, the complement: TTN is on the minus strand). VCF-style: chr2-178585155-G-A. GRCh37 (hg19) VCF-style: chr2-179449882-G-A.
Other names: c.56885C>T, p.Thr18962Ile (NM_133378.4); c.59666C>T, p.Thr19889Ile (NM_001256850.1); c.37394C>T, p.Thr12465Ile (NM_003319.4); c.37769C>T, p.Thr12590Ile (NM_133432.3); c.37970C>T, p.Thr12657Ile (NM_133437.4); short protein forms T21530I, T18962I, T12465I, T12590I, T12657I, T19889I.
Identifiers: ClinVar variation 47211 (VCV000047211.5), dbSNP rs397517659, ClinGen allele CA140348.